The following is an entry in ClinVar:

ClinVar aggregate classification (germline): Uncertain significance. Review status: criteria provided, multiple submitters, no conflicts (2 of 4 stars). 3 submissions from 3 submitters: Uncertain significance (2). 1 of the submissions does not count toward it. Last evaluated 2023-02-15.

Conditions:
Familial adenomatous polyposis 1 (FAP1). Also called: FAMILIAL ADENOMATOUS POLYPOSIS 1, ATTENUATED; POLYPOSIS, ADENOMATOUS INTESTINAL. Identifiers: MedGen C2713442, MONDO:0021056, OMIM 175100. Disease mechanism: loss of function.

Submissions (3):

Myriad Genetics, Inc.
Classification: Uncertain significance for Familial adenomatous polyposis 1. Last evaluated: 2023-02-15. Review status: criteria provided, single submitter. Criteria: Myriad Autosomal Dominant, Autosomal Recessive and X-Linked Classification Criteria (2023). Collection method: clinical testing. Allele origin: unknown.
Comment: This variant is classified as a variant of uncertain significance as there is insufficient evidence to determine its impact on protein function and/or cancer risk.

Labcorp Genetics (formerly Invitae), Labcorp
Classification: Uncertain significance for Familial adenomatous polyposis 1. Last evaluated: 2014-11-01. Review status: criteria provided, single submitter. Criteria: Invitae Variant Classification Sherloc (09022015). Collection method: clinical testing. Allele origin: germline.
Comment: Algorithms developed to predict the effect of missense changes on protein structure and function (SIFT, PolyPhen-2, Align-GVGD) all suggest that this sequence change is likely to be tolerated, but these predictions have not been confirmed by published functional studies. This sequence change has not been published in the literature and is not present in population databases. In summary, this is a novel missense change that is not expected to impact protein function and the primary cause of disease in this individual is due to a pathogenic sequence change in APC at a different position, the evidence is insufficient at this time for a more conclusive classification. It has been classified as a Variant of Uncertain Significance. This sequence change replaces serine with alanine at codon 906 of the APC protein (p.Ser906Ala). The serine residue is highly conserved and there is a moderate physicochemical difference between serine and alanine.

Counsyl
Classification: Uncertain significance for Familial adenomatous polyposis 1. Last evaluated: 2016-03-22. Review status: no assertion criteria provided. Collection method: clinical testing. Allele origin: unknown. Not counted in ClinVar's aggregate classification.

NM_000038.6(APC):c.2716T>G (p.Ser906Ala)

Gene: APC (APC regulator of Wnt signaling pathway; plus strand). Cytogenetic location: 5q22.2.
Variant type: single nucleotide variant.
Coding change: c.2716T>G on transcript NM_000038.6 (MANE Select); coding-DNA position 2716, T replaced by G.
Protein change: p.Ser906Ala; replaces serine 906 with alanine.
Molecular consequence: missense variant.
Genome position (GRCh38, 1-based): chr5:112,838,310, T>G. VCF-style: chr5-112838310-T-G. GRCh37 (hg19) VCF-style: chr5-112174007-T-G.
Other names: c.2716T>G, p.Ser906Ala (NM_001127510.3, NM_001354895.2); c.2662T>G, p.Ser888Ala (NM_001127511.3); c.2770T>G, p.Ser924Ala (NM_001354896.2); c.2746T>G, p.Ser916Ala (NM_001354897.2); c.2641T>G, p.Ser881Ala (NM_001354898.2); c.2632T>G, p.Ser878Ala (NM_001354899.2); c.2593T>G, p.Ser865Ala (NM_001354900.2); c.2539T>G, p.Ser847Ala (NM_001354901.2); and 5 more; short protein forms S888A, S906A, S623A, S815A, S847A, S865A, S878A, S924A.
Identifiers: ClinVar variation 188207 (VCV000188207.11), dbSNP rs786204146, ClinGen allele CA007751.